The following is an entry in ClinVar:

NM_002180.3(IGHMBP2):c.2857G>T (p.Gly953Cys)

Gene: IGHMBP2 (immunoglobulin mu DNA binding protein 2; plus strand). Cytogenetic location: 11q13.3.
Variant type: single nucleotide variant.
Coding change: c.2857G>T on transcript NM_002180.3 (MANE Select); coding-DNA position 2857, G replaced by T.
Protein change: p.Gly953Cys; replaces glycine 953 with cysteine.
Molecular consequence: missense variant.
Genome position (GRCh38, 1-based): chr11:68,939,606, G>T. VCF-style: chr11-68939606-G-T. GRCh37 (hg19) VCF-style: chr11-68707074-G-T.
Other names: short protein forms G953C.
Identifiers: ClinVar variation 1401343 (VCV001401343.6), dbSNP rs775514650, ClinGen allele CA381654926.

ClinVar aggregate classification (germline): Uncertain significance (1 of 4 stars; one submission).

Conditions:
Charcot-Marie-Tooth disease axonal type 2S. Also called: CHARCOT-MARIE-TOOTH NEUROPATHY, TYPE 2S; CHARCOT-MARIE-TOOTH DISEASE, AXONAL, AUTOSOMAL RECESSIVE, TYPE 2S. Identifiers: Orphanet 443073, MedGen C4015349, MONDO:0014511, OMIM 616155.
Autosomal recessive distal spinal muscular atrophy 1. Also called: SEVERE INFANTILE AXONAL NEUROPATHY WITH RESPIRATORY FAILURE; SPINAL MUSCULAR ATROPHY, DIAPHRAGMATIC; NEURONOPATHY, DISTAL HEREDITARY MOTOR, HARDING TYPE VI; NEUROPATHY, DISTAL HEREDITARY MOTOR, AUTOSOMAL RECESSIVE 1; HMN VI; NEURONOPATHY, SEVERE INFANTILE AXONAL, WITH RESPIRATORY FAILURE. Identifiers: Orphanet 98920, MedGen C1858517, MONDO:0011436, OMIM 604320.

gnomAD v4.1: 2 of 1,613,474 alleles (0.00012%); highest among the groups gnomAD compares: Non-Finnish European, 0.00017%; no homozygotes.

Submission:

Labcorp Genetics (formerly Invitae), Labcorp
Classification: Uncertain significance for Autosomal recessive distal spinal muscular atrophy 1; Charcot-Marie-Tooth disease axonal type 2S. Last evaluated: 2024-10-22. Review status: criteria provided, single submitter. Criteria: Invitae Variant Classification Sherloc (09022015). Collection method: clinical testing. Allele origin: germline.
Comment: This sequence change replaces glycine, which is neutral and non-polar, with cysteine, which is neutral and slightly polar, at codon 953 of the IGHMBP2 protein (p.Gly953Cys). This variant is present in population databases (no rsID available, gnomAD 0.0009%). This variant has not been reported in the literature in individuals affected with IGHMBP2-related conditions. ClinVar contains an entry for this variant (Variation ID: 1401343). Invitae Evidence Modeling of protein sequence and biophysical properties (such as structural, functional, and spatial information, amino acid conservation, physicochemical variation, residue mobility, and thermodynamic stability) has been performed for this missense variant. However, the output from this modeling did not meet the statistical confidence thresholds required to predict the impact of this variant on IGHMBP2 protein function. In summary, the available evidence is currently insufficient to determine the role of this variant in disease. Therefore, it has been classified as a Variant of Uncertain Significance.